The following is an entry in ClinVar:

ClinVar aggregate classification (germline): Benign/Likely benign. Review status: criteria provided, multiple submitters, no conflicts (2 of 4 stars). 3 submissions from 3 submitters: Benign (1); Likely benign (2). Last evaluated 2025-12-22.

Allele frequency attached by ClinVar (database versions not stated): 1000 Genomes Project 30x 0.00047; 1000 Genomes Project 0.00060; TOPMed 0.00076; ESP Exome Variant Server 0.00100; gnomAD exomes 0.00188; ExAC 0.00196; gnomAD 0.00198 and 0.00212.
gnomAD v4.1: 2,117 of 1,612,362 alleles (0.13%); highest among the groups gnomAD compares: Non-Finnish European, 0.1%; 8 homozygotes.

Submissions (3):

Labcorp Genetics (formerly Invitae), Labcorp
Classification: Benign. Last evaluated: 2025-12-22. Review status: criteria provided, single submitter. Criteria: Invitae Variant Classification Sherloc (09022015). Collection method: clinical testing. Allele origin: germline.

Blueprint Genetics
Classification: Likely benign. Last evaluated: 2024-11-20. Review status: criteria provided, single submitter. Criteria: ACMG Guidelines, 2015. Collection method: clinical testing. Allele origin: germline.

CeGaT Center for Human Genetics Tuebingen
Classification: Likely benign. Last evaluated: 2022-10-01. Review status: criteria provided, single submitter. Criteria: CeGaT Center For Human Genetics Tuebingen Variant Classification Criteria Version 2. Collection method: clinical testing. Allele origin: germline. Affected: yes. Observed: 1 variant allele.
Comment: PIP5K1C: BP4, BP7

NM_012398.3(PIP5K1C):c.1416C>T (p.Thr472=)

Gene: PIP5K1C (phosphatidylinositol-4-phosphate 5-kinase type 1 gamma; minus strand). Cytogenetic location: 19p13.3.
Variant type: single nucleotide variant.
Coding change: c.1416C>T on transcript NM_012398.3 (MANE Select); coding-DNA position 1416, C replaced by T.
Protein change: p.Thr472=; no amino-acid change (threonine 472 retained).
Molecular consequence: synonymous variant.
Genome position (GRCh38, 1-based): chr19:3,644,181, G>A on the plus strand (C>T on the coding strand, the complement: PIP5K1C is on the minus strand). VCF-style: chr19-3644181-G-A. GRCh37 (hg19) VCF-style: chr19-3644179-G-A.
Other names: c.1416C>T, p.Thr472= (NM_001195733.2, NM_001300849.2).
Identifiers: ClinVar variation 715835 (VCV000715835.34), dbSNP rs149493037, ClinGen allele CA9082276.
Genomic context (GRCh38, chr19:3,644,181, plus strand): 5'-CCGCAGGTCGTACTGGGCCTCCTCCCGCTCGCTAGGGATCTGGCTGGCCGAGAAGGCAGC[G>A]GTGGGCCCCAGCGGTTTCACAGCTAGCAAGGCTCCGCCGCGCCCCTTCTTGGAGGGCGAG-3'
Protein context (NP_036530.1, residues 462-482): ALLAVKPLGP[Thr472=]AAFSASQIPS